The following is an entry in ClinVar:

NM_001164277.2(SLC37A4):c.446G>A (p.Gly149Glu)

Gene: SLC37A4 (solute carrier family 37 member 4; minus strand). Cytogenetic location: 11q23.3.
Variant type: single nucleotide variant.
Coding change: c.446G>A on transcript NM_001164277.2 (MANE Select); coding-DNA position 446, G replaced by A.
Protein change: p.Gly149Glu; replaces glycine 149 with glutamic acid.
Molecular consequence: missense variant.
Genome position (GRCh38, 1-based): chr11:119,027,808, C>T on the plus strand (G>A on the coding strand, the complement: SLC37A4 is on the minus strand). VCF-style: chr11-119027808-C-T. GRCh37 (hg19) VCF-style: chr11-118898518-C-T.
Other names: c.446G>A, p.Gly149Glu (NM_001164278.2, NM_001164280.2, NM_001467.6); c.227G>A, p.Gly76Glu (NM_001164279.2); short protein forms G149E, G76E.
Identifiers: ClinVar variation 68280 (VCV000068280.20), dbSNP rs193302892, ClinGen allele CA219319.
Genomic context (GRCh38, chr11:119,027,808, plus strand): 5'-AGCGTGCTGCGCCAGCTGTAGCTCTGGGCAAGGATGGTTGCCAGGATAGGGCCCAGCCCT[C>T]CAGCCAGGTTCATGCTGGTTGACAGGATGGCCCACCAAGTGCCAAACTGAGATGGCTCAA-3'
Protein context (NP_001157749.1, residues 139-159): AILSTSMNLA[Gly149Glu]GLGPILATIL

ClinVar aggregate classification (germline): Pathogenic. Review status: criteria provided, multiple submitters, no conflicts (2 of 4 stars). 9 submissions from 9 submitters: Pathogenic (8). 1 of the submissions does not count toward it. Last evaluated 2025-12-30.

Conditions:
Phosphate transport defect (GSD1C). Also called: GSD Ic; GLYCOGEN STORAGE DISEASE Ic. Identifiers: Orphanet 364, Orphanet 79259, MedGen C0342749, OMIM 232240.
Glucose-6-phosphate transport defect (GSD1B). Also called: GSD Ib; Glycogen Storage Disease Type Ib. Identifiers: Orphanet 364, Orphanet 79259, MedGen C0268146, MONDO:0009288, OMIM 232220.
Congenital disorder of glycosylation, type IIw. Identifiers: MedGen C5561986, MONDO:0030437, OMIM 619525.
SLC37A4-related disorder. Also called: SLC37A4-related condition.

Allele frequency attached by ClinVar (database versions not stated): gnomAD exomes 0.00001 and 0.00003; ExAC 0.00002.

Submissions (9):

Natera, Inc.
Classification: Pathogenic for Glycogen storage disease type Ib. Last evaluated: 2025-12-30. Review status: criteria provided, single submitter. Criteria: Natera Variant Classification Schema (03/2026). Collection method: clinical testing. Allele origin: germline.
Comment: The c.446G>A variant in SLC37A4 is a missense variant predicted to cause substitution of glycine to glutamic acid at amino acid 149. This variant is rare in the general population with a frequency below the threshold expected for the associated phenotype(s). This variant has been observed in one or more individuals affected with the associated recessive disease, as either homozygous or compound heterozygous with a second variant (PMID: 40009380). Computational prediction algorithms indicate this variant is likely to affect gene or protein function. Given the available evidence, this variant is classified as Pathogenic.

Variantyx, Inc.
Classification: Pathogenic for Glucose-6-phosphate transport defect. Last evaluated: 2025-06-20. Review status: criteria provided, single submitter. Criteria: Variantyx Assertion Criteria 2022. Collection method: clinical testing. Allele origin: germline. Inheritance: Autosomal recessive inheritance. Affected: no.
Comment: This is a nonsynonymous variant in the SLC37A4 gene (OMIM: 602671). Pathogenic variants in this gene have been associated with autosomal recessive glycogen storage disease Ib. This variant has been identified in the homozygous state in individuals reported in the published literature (PMID: 29581464) (PM3). Functional studies have shown that this variant alters SLC37A4 protein function (PMID: 12444104) (PS3)., and multiple computational algorithms predict a deleterious effect for this variant (REVEL score: undefined) (PP3). The alteration lies within a known hotspot for pathogenic variants or a well-established critical functional domain of the SLC37A4 protein (PMID: 10923042, 12373566, 9758626, 10940311, 15953877, 28224773) (PM1). This variant has a 0.0278% maximum allele frequency in non-founder control populations (PM2). Based on the current evidence, this variant is classified as pathogenic for autosomal recessive glycogen storage disease Ib.N

Labcorp Genetics (formerly Invitae), Labcorp
Classification: Pathogenic for Glucose-6-phosphate transport defect. Last evaluated: 2024-12-03. Review status: criteria provided, single submitter. Criteria: Invitae Variant Classification Sherloc (09022015). Collection method: clinical testing. Allele origin: germline.
Comment: This sequence change replaces glycine, which is neutral and non-polar, with glutamic acid, which is acidic and polar, at codon 149 of the SLC37A4 protein (p.Gly149Glu). This variant is present in population databases (rs193302892, gnomAD 0.04%). This missense change has been observed in individuals with autosomal recessive glycogen storage disease type Ib (PMID: 10026167, 10518030, 12444104, 29581464). ClinVar contains an entry for this variant (Variation ID: 68280). Invitae Evidence Modeling of protein sequence and biophysical properties (such as structural, functional, and spatial information, amino acid conservation, physicochemical variation, residue mobility, and thermodynamic stability) indicates that this missense variant is not expected to disrupt SLC37A4 protein function with a negative predictive value of 80%. Experimental studies have shown that this missense change affects SLC37A4 function (PMID: 10026167, 12444104). For these reasons, this variant has been classified as Pathogenic.

Blueprint Genetics
Classification: Pathogenic for SLC37A4-related disorders. Last evaluated: 2024-11-21. Review status: criteria provided, single submitter. Criteria: ACMG Guidelines, 2015. Collection method: clinical testing. Allele origin: germline. Affected: yes. Observed: 5 variant alleles.

Baylor Genetics
Classification: Pathogenic for Glucose-6-phosphate transport defect. Last evaluated: 2024-03-12. Review status: criteria provided, single submitter. Criteria: ACMG Guidelines, 2015. Collection method: clinical testing. Allele origin: unknown.

Mendelics
Classification: Pathogenic for Glucose-6-phosphate transport defect. Last evaluated: 2022-05-04. Review status: criteria provided, single submitter. Criteria: Mendelics Assertion Criteria 2019. Collection method: clinical testing. Allele origin: germline.

Women's Health and Genetics/Laboratory Corporation of America, LabCorp
Classification: Pathogenic for Glucose-6-phosphate transport defect. Last evaluated: 2020-07-24. Review status: criteria provided, single submitter. Criteria: LabCorp Variant Classification Summary - May 2015. Collection method: clinical testing. Allele origin: germline.
Comment: Variant summary: SLC37A4 c.446G>A (p.Gly149Glu) results in a non-conservative amino acid change located in the Glycerate/sugar phosphate transporter, conserved signature motif (IPR021159) of the encoded protein sequence. Two of two in-silico tools predict a damaging effect of the variant on protein function. The variant allele was found at a frequency of 2.9e-05 in 239678 control chromosomes (gnomAD). The variant, c.446G>A, has been reported in the literature in multiple homozygous- and compound heterozygous individuals affected with Glycogen Storage Disease Type Ib (e.g. Hiraiwa_1999, Galli_1999, Lam_2000, Sperb-Ludwig_2019). These data indicate that the variant is likely to be associated with disease. Several publications also reported experimental evidence evaluating an impact on protein function, and demonstrated that the variant almost completely abolishes the glucose-6-phosphate transport activity of the protein (e.g. Hiraiwa_1999, Chen_2002, Chen_2008). One clinical diagnostic laboratory has submitted clinical-significance assessments for this variant to ClinVar after 2014, and classified the variant as pathogenic. Based on the evidence outlined above, the variant was classified as pathogenic.

Juno Genomics, Hangzhou Juno Genomics, Inc
Classification: Pathogenic for Congenital disorder of glycosylation, type IIw; Glucose-6-phosphate transport defect; Phosphate transport defect. Review status: criteria provided, single submitter. Criteria: ACMG Guidelines, 2015. Collection method: clinical testing. Allele origin: germline.
Comment: Absent from controls (or at extremely low frequency if recessive) in Genome Aggregation Database.;For recessive disorders, detected in trans with a pathogenic variant.;Patient's phenotype or family history is highly specific for a disease with a single genetic etiology.;Well-established in vitro or in vivo functional studies supportive of a damaging effect on the gene or gene product.

UniProtKB/Swiss-Prot
No classification provided. Review status: no classification provided. Collection method: not provided. Allele origin: germline. Not counted in ClinVar's aggregate classification.

Literature cited by the submitters: PubMed 40009380 (cited by Natera, Inc.); PubMed 10923042 (cited by Variantyx, Inc.); PubMed 12373566 (cited by Variantyx, Inc.); PubMed 9758626 (cited by Variantyx, Inc.); PubMed 10940311 (cited by Variantyx, Inc.); PubMed 15953877 (cited by Variantyx, Inc.); PubMed 28224773 (cited by Variantyx, Inc.); PubMed 29581464 (cited by Variantyx, Inc. and Labcorp Genetics (formerly Invitae), Labcorp); PubMed 12444104 (cited by 3 submitters); PubMed 10026167 (cited by Labcorp Genetics (formerly Invitae), Labcorp and Women's Health and Genetics/Laboratory Corporation of America, LabCorp); PubMed 10518030 (cited by Labcorp Genetics (formerly Invitae), Labcorp and Women's Health and Genetics/Laboratory Corporation of America, LabCorp); PubMed 18835800 (cited by Women's Health and Genetics/Laboratory Corporation of America, LabCorp); PubMed 31508908 (cited by Women's Health and Genetics/Laboratory Corporation of America, LabCorp); PubMed 10874322 (cited by Women's Health and Genetics/Laboratory Corporation of America, LabCorp).